The following is an entry in ClinVar:

NM_004407.4(DMP1):c.1357G>A (p.Asp453Asn)

Genes: DMP1 (dentin matrix acidic phosphoprotein 1; plus strand), DMP1-AS1 (DMP1 and DSPP antisense RNA 1; minus strand). Cytogenetic location: 4q22.1.
Variant type: single nucleotide variant.
Coding change: c.1357G>A on transcript NM_004407.4 (MANE Select); coding-DNA position 1357, G replaced by A.
Protein change: p.Asp453Asn; replaces aspartic acid 453 with asparagine.
Molecular consequence: missense variant.
Genome position (GRCh38, 1-based): chr4:87,663,135, G>A. VCF-style: chr4-87663135-G-A. GRCh37 (hg19) VCF-style: chr4-88584287-G-A.
Other names: c.1309G>A, p.Asp437Asn (NM_001079911.3); short protein forms D453N, D437N.
Identifiers: ClinVar variation 4241422 (VCV004241422.2).

ClinVar aggregate classification (germline): Uncertain significance. Review status: criteria provided, multiple submitters, no conflicts (2 of 4 stars). 2 submissions from 2 submitters: Uncertain significance (2). Last evaluated 2025-10-13.

Conditions:
Inborn genetic diseases. Identifiers: MedGen C0950123, MeSH D030342.

Submissions (2):

Women's Health and Genetics/Laboratory Corporation of America, LabCorp
Classification: Uncertain significance. Last evaluated: 2025-10-13. Review status: criteria provided, single submitter. Criteria: LabCorp Variant Classification Summary - May 2015. Collection method: clinical testing. Allele origin: germline.
Comment: Variant summary: DMP1 c.1357G>A (p.Asp453Asn) results in a conservative amino acid change in the encoded protein sequence. Algorithms developed to predict the effect of missense changes on protein structure and function all suggest that this variant is likely to be tolerated. The variant allele was found at a frequency of 8e-06 in 251392 control chromosomes. The available data on variant occurrences in the general population are insufficient to allow any conclusion about variant significance. To our knowledge, no occurrence of c.1357G>A in individuals affected with DMP1-related conditions and no experimental evidence demonstrating its impact on protein function have been reported. ClinVar contains an entry for this variant (Variation ID: 4241422). Based on the evidence outlined above, the variant was classified as uncertain significance.

Ambry Genetics
Classification: Uncertain significance for Inborn genetic diseases. Last evaluated: 2025-09-10. Review status: criteria provided, single submitter. Criteria: Ambry Variant Classification Scheme 2023. Collection method: clinical testing. Allele origin: germline.